The following is an entry in ClinVar:

NM_182972.3(IRF2BP2):c.1396C>T (p.Gln466Ter)

Gene: IRF2BP2 (interferon regulatory factor 2 binding protein 2; minus strand). Cytogenetic location: 1q42.3.
Variant type: single nucleotide variant.
Coding change: c.1396C>T on transcript NM_182972.3 (MANE Select); coding-DNA position 1396, C replaced by T.
Protein change: p.Gln466Ter; replaces glutamine 466 with a stop codon.
Molecular consequence: nonsense.
Genome position (GRCh38, 1-based): chr1:234,607,505, G>A on the plus strand (C>T on the coding strand, the complement: IRF2BP2 is on the minus strand). VCF-style: chr1-234607505-G-A. GRCh37 (hg19) VCF-style: chr1-234743251-G-A.
Other names: c.1348C>T, p.Gln450Ter (NM_001077397.1); short protein forms Q466*, Q450*.
Identifiers: ClinVar variation 4717788 (VCV004717788.1).

ClinVar aggregate classification (germline): Uncertain significance (1 of 4 stars; one submission).

Submission:

Labcorp Genetics (formerly Invitae), Labcorp
Classification: Uncertain significance. Last evaluated: 2025-10-14. Review status: criteria provided, single submitter. Criteria: Invitae Variant Classification Sherloc (09022015). Collection method: clinical testing. Allele origin: germline.
Comment: This sequence change creates a premature translational stop signal (p.Gln466*) in the IRF2BP2 gene. While this is not anticipated to result in nonsense mediated decay, it is expected to disrupt the last 122 amino acid(s) of the IRF2BP2 protein. This variant is not present in population databases (gnomAD no frequency). This variant has not been reported in the literature in individuals affected with IRF2BP2-related conditions. In summary, the available evidence is currently insufficient to determine the role of this variant in disease. Therefore, it has been classified as a Variant of Uncertain Significance.